The following is an entry in ClinVar:

NM_005391.5(PDK3):c.487A>G (p.Met163Val)

Gene: PDK3 (pyruvate dehydrogenase kinase 3; plus strand). Cytogenetic location: Xp22.11.
Variant type: single nucleotide variant.
Coding change: c.487A>G on transcript NM_005391.5 (MANE Select); coding-DNA position 487, A replaced by G.
Protein change: p.Met163Val; replaces methionine 163 with valine.
Molecular consequence: missense variant.
Genome position (GRCh38, 1-based): chrX:24,503,493, A>G. VCF-style: chrX-24503493-A-G. GRCh37 (hg19) VCF-style: chrX-24521610-A-G.
Other names: c.487A>G, p.Met163Val (NM_001142386.3); short protein forms M163V.
Identifiers: ClinVar variation 2504985 (VCV002504985.1), dbSNP rs2518579665, ClinGen allele CA412605488.
Genomic context (GRCh38, chrX:24,503,493, plus strand): 5'-ATTAGCACTAACATCCAATATTTTCTGGATCGGTTTTATACCAACCGCATCTCTTTCCGC[A>G]TGCTTATTAATCAGCACAGTAAGTTGGAGTTTGTTGGTCCAGTTTTGAAAAGGTAACCAT-3'
Protein context (NP_005382.1, residues 153-173): RFYTNRISFR[Met163Val]LINQHTLLFG

ClinVar aggregate classification (germline): Uncertain significance (1 of 4 stars; one submission).

Submission:

GeneDx
Classification: Uncertain significance. Last evaluated: 2022-12-06. Review status: criteria provided, single submitter. Criteria: GeneDx Variant Classification Process June 2021. Collection method: clinical testing. Allele origin: germline. Affected: yes.
Comment: Not observed at significant frequency in large population cohorts (gnomAD); In silico analysis supports that this missense variant has a deleterious effect on protein structure/function; Has not been previously published as pathogenic or benign to our knowledge